The following is an entry in ClinVar:

NM_001301836.2(C12orf57):c.8del (p.Asp3fs)

Gene: C12orf57 (chromosome 12 open reading frame 57; plus strand). Cytogenetic location: 12p13.31.
Variant type: Deletion.
Coding change: c.8del on transcript NM_001301836.2; coding-DNA position 8, one base deleted (A; older notation c.8delA).
Protein change: p.Asp3fs; shifts the reading frame from aspartic acid 3.
Molecular consequence: frameshift variant. On other transcripts: 5 prime UTR variant (1).
Genome position (GRCh38, 1-based): chr12:6,943,657, A deleted. VCF-style (leftmost placement, unchanged base first): chr12-6943656-GA-G. GRCh37 (hg19) VCF-style: chr12-7052819-GA-G.
Other names: c.-21del (NM_001301834.1); short protein forms D3fs.
Identifiers: ClinVar variation 4984971 (VCV004984971.1).
Genomic context (GRCh38, chr12:6,943,656, plus strand): 5'-TCAGCACCGAACTCATTTGCATGGGCTGAGAACAAATGTTCGCGAACTCTAGAAATGAAT[GA>G]CTTAAGTAAGTTCCTTAGAATATTATTTTTCCTACTGAAAGTTACCACATGCGTCGTTGT-3'

ClinVar aggregate classification (germline): Likely pathogenic (1 of 4 stars; one submission).

Conditions:
C12orf57-related disorder. Also called: C12orf57-related condition.

Submission:

PreventionGenetics, part of Exact Sciences
Classification: Likely pathogenic for C12orf57-related condition. Last evaluated: 2026-03-19. Review status: criteria provided, single submitter. Criteria: ACMG Guidelines, 2015. Collection method: clinical testing. Allele origin: germline.
Comment: The C12orf57 c.8delA variant is predicted to result in a frameshift and premature protein termination (p.Asp3Alafs*2). To our knowledge, this variant has not been reported in the literature. This variant is reported in 0.029% of alleles in individuals of East Asian descent in gnomAD. Frameshift variants in C12orf57 are expected to be pathogenic. This variant is interpreted as likely pathogenic.